The following is an entry in ClinVar:

ClinVar aggregate classification (germline): Uncertain significance. Review status: criteria provided, single submitter (1 of 4 stars). 2 submissions from 2 submitters: Uncertain significance (1). 1 of the submissions does not count toward it. Last evaluated 2026-01-19.

Conditions:
Deficiency of alpha-mannosidase (MANSA). Also called: Mannosidosis, alpha-, types I and II; LYSOSOMAL ALPHA-D-MANNOSIDASE DEFICIENCY; Alpha-Mannosidosis. Identifiers: Orphanet 61, MedGen C0024748, MONDO:0009561, OMIM 248500.

Allele frequency attached by ClinVar (database versions not stated): gnomAD 0.00001; gnomAD exomes 0.00001; TOPMed 0.00002; ExAC 0.00003.
gnomAD v4.1: 17 of 1,613,452 alleles (0.0011%); highest among the groups gnomAD compares: Non-Finnish European, 0.0014%; no homozygotes.

Submissions (2):

Labcorp Genetics (formerly Invitae), Labcorp
Classification: Uncertain significance for Deficiency of alpha-mannosidase. Last evaluated: 2026-01-19. Review status: criteria provided, single submitter. Criteria: Invitae Variant Classification Sherloc (09022015). Collection method: clinical testing. Allele origin: germline.
Comment: This sequence change replaces tryptophan, which is neutral and slightly polar, with arginine, which is basic and polar, at codon 837 of the MAN2B1 protein (p.Trp837Arg). This variant is present in population databases (rs760097655, gnomAD 0.004%). This variant has not been reported in the literature in individuals affected with MAN2B1-related conditions. ClinVar contains an entry for this variant (Variation ID: 1010474). Invitae Evidence Modeling of protein sequence and biophysical properties (such as structural, functional, and spatial information, amino acid conservation, physicochemical variation, residue mobility, and thermodynamic stability) indicates that this missense variant is not expected to disrupt MAN2B1 protein function with a negative predictive value of 95%. In summary, the available evidence is currently insufficient to determine the role of this variant in disease. Therefore, it has been classified as a Variant of Uncertain Significance.

Natera, Inc.
Classification: Uncertain significance for Alpha-mannosidosis. Last evaluated: 2020-01-24. Review status: no assertion criteria provided. Collection method: clinical testing. Allele origin: germline. Not counted in ClinVar's aggregate classification.

NM_000528.4(MAN2B1):c.2509T>C (p.Trp837Arg)

Gene: MAN2B1 (mannosidase alpha class 2B member 1; minus strand). Cytogenetic location: 19p13.13.
Variant type: single nucleotide variant.
Coding change: c.2509T>C on transcript NM_000528.4 (MANE Select); coding-DNA position 2509, T replaced by C.
Protein change: p.Trp837Arg; replaces tryptophan 837 with arginine.
Molecular consequence: missense variant.
Genome position (GRCh38, 1-based): chr19:12,648,330, A>G on the plus strand (T>C on the coding strand, the complement: MAN2B1 is on the minus strand). VCF-style: chr19-12648330-A-G. GRCh37 (hg19) VCF-style: chr19-12759144-A-G.
Other names: c.2506T>C, p.Trp836Arg (NM_001173498.2); short protein forms W836R, W837R.
Identifiers: ClinVar variation 1010474 (VCV001010474.11), dbSNP rs760097655, ClinGen allele CA9225993.